The following is an entry in ClinVar:

NM_002454.3(MTRR):c.245C>T (p.Pro82Leu)

Gene: MTRR (5-methyltetrahydrofolate-homocysteine methyltransferase reductase; plus strand). Cytogenetic location: 5p15.31.
Variant type: single nucleotide variant.
Coding change: c.245C>T on transcript NM_002454.3 (MANE Select); coding-DNA position 245, C replaced by T.
Protein change: p.Pro82Leu; replaces proline 82 with leucine.
Molecular consequence: missense variant. On other transcripts: non-coding transcript variant (8).
Genome position (GRCh38, 1-based): chr5:7,873,488, C>T. VCF-style: chr5-7873488-C-T. GRCh37 (hg19) VCF-style: chr5-7873601-C-T.
Other names: c.245C>T, p.Pro82Leu (NM_001364440.2, NM_001364441.2, NM_001364442.2 and 1 more transcripts); short protein forms P82L.
Identifiers: ClinVar variation 2676864 (VCV002676864.5), dbSNP rs747303076, ClinGen allele CA3195528.
Genomic context (GRCh38, chr5:7,873,488, plus strand): 5'-CCGGAGACCCACCCGACACAGCCCGCAAGTTTGTTAAGGAAATACAGAACCAAACACTGC[C>T]GGTTGATTTCTTTGCTCACCTGCGGTATGGGTTACTGGGTAATGGACTCTCTCTTCTGAT-3'
Protein context (NP_002445.2, residues 72-92): FVKEIQNQTL[Pro82Leu]VDFFAHLRYG

ClinVar aggregate classification (germline): Conflicting classifications of pathogenicity. Review status: criteria provided, conflicting classifications (1 of 4 stars). 3 submissions from 3 submitters: Likely pathogenic (2); Uncertain significance (1). Last evaluated 2025-03-06.

Conditions:
Neural tube defects, folate-sensitive (NTDFS). Also called: NTD, FOLATE-SENSITIVE. Identifiers: Orphanet 823, MedGen C1866558, MONDO:0011120, OMIM 601634.
Methylcobalamin deficiency type cblE (HMAE). Also called: VITAMIN B12-RESPONSIVE HOMOCYSTINURIA, cblE TYPE; HOMOCYSTINURIA-MEGALOBLASTIC ANEMIA, cblE COMPLEMENTATION TYPE; HOMOCYSTINURIA-MEGALOBLASTIC ANEMIA, cblE TYPE. Identifiers: Orphanet 2169, Orphanet 622, MedGen C1856057, MONDO:0009354, OMIM 236270.

Allele frequency attached by ClinVar (database versions not stated): ExAC 0.00002; TOPMed 0.00003.
gnomAD v4.1: 18 of 1,614,000 alleles (0.0011%); highest among the groups gnomAD compares: East Asian, 0.016%; no homozygotes.

Submissions (3):

Dasa
Classification: Uncertain significance. Last evaluated: 2025-03-06. Review status: criteria provided, single submitter. Criteria: DASA Assertion Criteria. Collection method: clinical testing. Allele origin: germline.
Comment: NM_002454.3(MTRR):c.245C>T (p.Pro82Leu) is a missense variant that results in the substitution of proline with leucine. This variant has been observed in affected individuals with MTRR-related disorders. Also, this variant is rare in population databases. Computational prediction algorithms are consistent with a benign effect. The currently available literature and clinical evidence are not sufficient to establish a definitive association between this variant and the reported condition. Therefore, this variant is classified as a variant of uncertain significance.

Women's Health and Genetics/Laboratory Corporation of America, LabCorp
Classification: Likely pathogenic for Methylcobalamin deficiency type cblE. Last evaluated: 2024-09-09. Review status: criteria provided, single submitter. Criteria: LabCorp Variant Classification Summary - May 2015. Collection method: clinical testing. Allele origin: germline.
Comment: Variant summary: MTRR c.245C>T (p.Pro82Leu) results in a non-conservative amino acid change located in the Flavodoxin/nitric oxide synthase domain (IPR008254) of the encoded protein sequence. Three of four in-silico tools predict a damaging effect of the variant on protein function. The variant allele was found at a frequency of 2e-05 in 251494 control chromosomes. c.245C>T has been reported in the literature in homozygous individuals affected with Homocystinuria-Megaloblastic Anemia, cbl E type (e.g. Huemer_2014, Yekeduz_2020). These data indicate that the variant is likely to be associated with disease. At least one publication reports experimental evidence evaluating an impact on protein function. The most pronounced variant effect results in 10%-<30% of normal cobalamin coenzyme activity (e.g. Huemer_2014). The following publications have been ascertained in the context of this evaluation (PMID: 25526710, 33042249). ClinVar contains an entry for this variant (Variation ID: 2676864). Based on the evidence outlined above, the variant was classified as likely pathogenic.

Baylor Genetics
Classification: Likely pathogenic for Neural tube defects, folate-sensitive. Last evaluated: 2024-03-23. Review status: criteria provided, single submitter. Criteria: ACMG Guidelines, 2015. Collection method: clinical testing. Allele origin: unknown.

Literature cited by the submitters: PubMed 25526710 (cited by Women's Health and Genetics/Laboratory Corporation of America, LabCorp); PubMed 33042249 (cited by Women's Health and Genetics/Laboratory Corporation of America, LabCorp).